The following is an entry in ClinVar:

ClinVar aggregate classification (germline): Uncertain significance (1 of 4 stars; one submission).

Allele frequency attached by ClinVar (database versions not stated): ExAC 0.00001; gnomAD 0.00003; TOPMed 0.00006.
gnomAD v4.1: 11 of 1,613,052 alleles (0.00068%); highest among the groups gnomAD compares: Middle Eastern, 0.016%; no homozygotes.

Submission:

Labcorp Genetics (formerly Invitae), Labcorp
Classification: Uncertain significance. Last evaluated: 2025-03-16. Review status: criteria provided, single submitter. Criteria: Invitae Variant Classification Sherloc (09022015). Collection method: clinical testing. Allele origin: germline.
Comment: This sequence change replaces serine, which is neutral and polar, with threonine, which is neutral and polar, at codon 338 of the GHR protein (p.Ser338Thr). This variant is present in population databases (rs756554863, gnomAD 0.004%). This variant has not been reported in the literature in individuals affected with GHR-related conditions. ClinVar contains an entry for this variant (Variation ID: 2419416). Invitae Evidence Modeling of protein sequence and biophysical properties (such as structural, functional, and spatial information, amino acid conservation, physicochemical variation, residue mobility, and thermodynamic stability) indicates that this missense variant is not expected to disrupt GHR protein function with a negative predictive value of 95%. In summary, the available evidence is currently insufficient to determine the role of this variant in disease. Therefore, it has been classified as a Variant of Uncertain Significance.

NM_000163.5(GHR):c.1013G>C (p.Ser338Thr)

Gene: GHR (growth hormone receptor; plus strand). Cytogenetic location: 5p12.
Variant type: single nucleotide variant.
Coding change: c.1013G>C on transcript NM_000163.5 (MANE Select); coding-DNA position 1013, G replaced by C.
Protein change: p.Ser338Thr; replaces serine 338 with threonine.
Molecular consequence: missense variant. On other transcripts: 3 prime UTR variant (1).
Genome position (GRCh38, 1-based): chr5:42,718,520, G>C. VCF-style: chr5-42718520-G-C. GRCh37 (hg19) VCF-style: chr5-42718622-G-C.
Other names: c.1034G>C, p.Ser345Thr (NM_001242399.2); c.1013G>C, p.Ser338Thr (NM_001242400.2, NM_001242401.4, NM_001242402.2 and 4 more transcripts); c.947G>C, p.Ser316Thr (NM_001242460.2); c.*55G>C (NM_001242462.1); short protein forms S316T, S338T, S345T.
Identifiers: ClinVar variation 2419416 (VCV002419416.6), dbSNP rs756554863, ClinGen allele CA3254581.